The following is an entry in ClinVar:

NM_001374353.1(GLI2):c.1382C>T (p.Thr461Met)

Gene: GLI2 (GLI family zinc finger 2; plus strand). Cytogenetic location: 2q14.2.
Variant type: single nucleotide variant.
Coding change: c.1382C>T on transcript NM_001374353.1 (MANE Select); coding-DNA position 1382, C replaced by T.
Protein change: p.Thr461Met; replaces threonine 461 with methionine.
Molecular consequence: missense variant.
Genome position (GRCh38, 1-based): chr2:120,978,498, C>T. VCF-style: chr2-120978498-C-T. GRCh37 (hg19) VCF-style: chr2-121736074-C-T.
Other names: c.1433C>T, p.Thr478Met (NM_001371271.1, NM_005270.5); c.1007C>T, p.Thr336Met (NM_001374354.1); short protein forms T336M, T478M, T461M.
Identifiers: ClinVar variation 4794195 (VCV004794195.2).

ClinVar aggregate classification (germline): Uncertain significance. Review status: criteria provided, multiple submitters, no conflicts (2 of 4 stars). 2 submissions from 2 submitters: Uncertain significance (2). Last evaluated 2026-01-29.

Conditions:
Holoprosencephaly 9 (HPE9). Also called: PITUITARY ANOMALIES WITH HOLOPROSENCEPHALY-LIKE FEATURES; HOLOPROSENCEPHALY WITH MICROPHTHALMIA AND FIRST BRANCHIAL ARCH ANOMALIES. Identifiers: Orphanet 2162, MedGen C1835819, MONDO:0012563, OMIM 610829.
Postaxial polydactyly-anterior pituitary anomalies-facial dysmorphism syndrome. Also called: Culler-Jones syndrome. Identifiers: Orphanet 420584, MedGen C4014479, MONDO:0014369, OMIM 615849.

Submissions (2):

Labcorp Genetics (formerly Invitae), Labcorp
Classification: Uncertain significance for Postaxial polydactyly-anterior pituitary anomalies-facial dysmorphism syndrome; Holoprosencephaly 9. Last evaluated: 2026-01-29. Review status: criteria provided, single submitter. Criteria: Invitae Variant Classification Sherloc (09022015). Collection method: clinical testing. Allele origin: germline.
Comment: This sequence change replaces threonine, which is neutral and polar, with methionine, which is neutral and non-polar, at codon 478 of the GLI2 protein (p.Thr478Met). This variant is present in population databases (rs565330468, gnomAD 0.005%). This variant has not been reported in the literature in individuals affected with GLI2-related conditions. Invitae Evidence Modeling of protein sequence and biophysical properties (such as structural, functional, and spatial information, amino acid conservation, physicochemical variation, residue mobility, and thermodynamic stability) indicates that this missense variant is expected to disrupt GLI2 protein function with a positive predictive value of 80%. In summary, the available evidence is currently insufficient to determine the role of this variant in disease. Therefore, it has been classified as a Variant of Uncertain Significance.

Blueprint Genetics
Classification: Uncertain significance. Last evaluated: 2024-11-14. Review status: criteria provided, single submitter. Criteria: ACMG Guidelines, 2015. Collection method: clinical testing. Allele origin: germline.